The following is an entry in ClinVar:

NM_001042492.3(NF1):c.5609G>T (p.Arg1870Leu)

Gene: NF1 (neurofibromin 1; plus strand). Cytogenetic location: 17q11.2.
Variant type: single nucleotide variant.
Coding change: c.5609G>T on transcript NM_001042492.3 (MANE Select); coding-DNA position 5609, G replaced by T.
Protein change: p.Arg1870Leu; replaces arginine 1870 with leucine.
Molecular consequence: missense variant.
Genome position (GRCh38, 1-based): chr17:31,327,839, G>T. VCF-style: chr17-31327839-G-T. GRCh37 (hg19) VCF-style: chr17-29654857-G-T.
Other names: c.5546G>T, p.Arg1849Leu (NM_000267.4); short protein forms R1849L, R1870L.
Identifiers: ClinVar variation 1070186 (VCV001070186.7), dbSNP rs786202112, ClinGen allele CA399010076.

ClinVar aggregate classification (germline): Pathogenic. Review status: criteria provided, multiple submitters, no conflicts (2 of 4 stars). 3 submissions from 3 submitters: Pathogenic (3). Last evaluated 2026-10-06.

Conditions:
Neurofibromatosis, type 1 (NF1). Also called: Peripheral type neurofibromatosis; NEUROFIBROMATOSIS, TYPE I, SOMATIC; Neurofibromatosis, type I; VON RECKLINGHAUSEN DISEASE. Identifiers: Orphanet 636, MedGen C0027831, MONDO:0018975, OMIM 162200. Disease mechanism: loss of function.

Submissions (3):

NHS Central & South Genomic Laboratory Hub
Classification: Pathogenic for Neurofibromatosis type 1. Last evaluated: 2026-10-06. Review status: criteria provided, single submitter. Criteria: ACMG Guidelines, 2015. Collection method: clinical testing. Allele origin: germline. Affected: yes.

Labcorp Genetics (formerly Invitae), Labcorp
Classification: Pathogenic for Neurofibromatosis, type 1. Last evaluated: 2025-08-28. Review status: criteria provided, single submitter. Criteria: Invitae Variant Classification Sherloc (09022015). Collection method: clinical testing. Allele origin: germline.
Comment: This sequence change replaces arginine, which is basic and polar, with leucine, which is neutral and non-polar, at codon 1849 of the NF1 protein (p.Arg1849Leu). This variant also falls at the last nucleotide of exon 37, which is part of the consensus splice site for this exon. This variant is not present in population databases (gnomAD no frequency). This missense change has been observed in individual(s) with neurofibromatosis type 1 (PMID: 23913538, 27322474). Invitae Evidence Modeling of clinical and family history, age, sex, and reported ancestry of multiple individuals with this NF1 variant has been performed. This variant is expected to be pathogenic with a positive predictive value of at least 99%. This is a validated machine learning model that incorporates the clinical features of 1,785,918 individuals referred to our laboratory for NF1 testing. ClinVar contains an entry for this variant (Variation ID: 1070186). An algorithm developed to predict the effect of missense changes on protein structure and function (PolyPhen-2) suggests that this variant is likely to be disruptive. Experimental studies have shown that this missense change affects NF1 function (PMID: 27322474). Variants that disrupt the consensus splice site are a relatively common cause of aberrant splicing (PMID: 17576681, 9536098). Algorithms developed to predict the effect of sequence changes on RNA splicing suggest that this variant may disrupt the consensus splice site. This variant disrupts the c.5546G nucleotide in the NF1 gene. Other variant(s) that disrupt this nucleotide have been determined to be pathogenic (PMID: 10607834, 10980545, 25325900). This suggests that this nucleotide is clinically significant, and that variants that disrupt this position are likely to be disease-causing. For these reasons, this variant has been classified as Pathogenic.

GeneDx
Classification: Pathogenic. Last evaluated: 2025-03-17. Review status: criteria provided, single submitter. Criteria: GeneDx Variant Classification Process June 2021. Collection method: clinical testing. Allele origin: germline. Affected: yes.
Comment: Identified in patients with NF1 in published literature (PMID: 27322474, 23913538); This variant is demonstrated to result in out-of-frame skipping of the adjacent exon and results in loss of function (PMID: 23913538); Not observed at significant frequency in large population cohorts (gnomAD); This variant is associated with the following publications: (PMID: 27322474, 23913538)

Literature cited by the submitters: PubMed 23913538 (cited by Labcorp Genetics (formerly Invitae), Labcorp); PubMed 27322474 (cited by Labcorp Genetics (formerly Invitae), Labcorp); PubMed 17576681 (cited by Labcorp Genetics (formerly Invitae), Labcorp); PubMed 9536098 (cited by Labcorp Genetics (formerly Invitae), Labcorp); PubMed 10607834 (cited by Labcorp Genetics (formerly Invitae), Labcorp); PubMed 10980545 (cited by Labcorp Genetics (formerly Invitae), Labcorp); PubMed 25325900 (cited by Labcorp Genetics (formerly Invitae), Labcorp).